The following is an entry in ClinVar:

ClinVar aggregate classification (germline): Pathogenic. Review status: criteria provided, multiple submitters, no conflicts (2 of 4 stars). 5 submissions from 5 submitters: Pathogenic (5). Last evaluated 2024-10-11.

Conditions:
Autosomal recessive ataxia, Beauce type. Also called: ATAXIA, RECESSIVE, OF BEAUCE; Spinocerebellar ataxia, autosomal recessive 8; SYNE1-Related Autosomal Recessive Cerebellar Ataxia; SYNE1 Deficiency. Identifiers: Orphanet 88644, MedGen C1853116, MONDO:0012549, OMIM 610743.
Emery-Dreifuss muscular dystrophy 4, autosomal dominant (EDMD4). Also called: EMERY-DREIFUSS MUSCULAR DYSTROPHY 4 WITH VARIABLE FEATURES. Identifiers: Orphanet 261, MedGen C2751807, MONDO:0013071, OMIM 612998.

Allele frequency attached by ClinVar (database versions not stated): gnomAD exomes below 0.00001; ExAC 0.00001; gnomAD 0.00002; TOPMed 0.00003.
gnomAD v4.1: 10 of 1,613,862 alleles (0.00062%); highest among the groups gnomAD compares: African/African-American, 0.004%; no homozygotes.

Submissions (5):

GeneDx
Classification: Pathogenic. Last evaluated: 2024-10-11. Review status: criteria provided, single submitter. Criteria: GeneDx Variant Classification Process June 2021. Collection method: clinical testing. Allele origin: germline. Affected: yes.
Comment: Nonsense variant predicted to result in protein truncation or nonsense mediated decay in a gene for which loss of function is a known mechanism of disease; Not observed at significant frequency in large population cohorts (gnomAD); Also known as p.Arg7155*; This variant is associated with the following publications: (PMID: 27178001, 23959263, 32870032)

Labcorp Genetics (formerly Invitae), Labcorp
Classification: Pathogenic for Emery-Dreifuss muscular dystrophy 4, autosomal dominant; Autosomal recessive ataxia, Beauce type. Last evaluated: 2024-03-20. Review status: criteria provided, single submitter. Criteria: Invitae Variant Classification Sherloc (09022015). Collection method: clinical testing. Allele origin: germline.
Comment: This sequence change creates a premature translational stop signal (p.Arg7084*) in the SYNE1 gene. It is expected to result in an absent or disrupted protein product. Loss-of-function variants in SYNE1 are known to be pathogenic (PMID: 19542096, 24319099, 27086870). This variant is present in population databases (rs778445117, gnomAD 0.005%). This premature translational stop signal has been observed in individual(s) with cerebellar ataxia (PMID: 23959263). It has also been observed to segregate with disease in related individuals. ClinVar contains an entry for this variant (Variation ID: 995580). For these reasons, this variant has been classified as Pathogenic.

Athena Diagnostics
Classification: Pathogenic. Last evaluated: 2021-02-08. Review status: criteria provided, single submitter. Criteria: Athena Diagnostics criteria. Collection method: clinical testing. Allele origin: unknown.
Comment: This variant is expected to result in the loss of a functional protein. The frequency of this variant in the general population is consistent with pathogenicity. This variant has been identified in at least one individual with clinical features associated with this gene.

Molecular Diagnostics Laboratory, M Health Fairview: University of Minnesota
Classification: Pathogenic for Autosomal recessive ataxia, Beauce type. Last evaluated: 2020-12-28. Review status: criteria provided, single submitter. Criteria: ACMG Guidelines, 2015. Collection method: clinical testing. Allele origin: germline. Affected: yes.

Revvity Omics, Revvity
Classification: Pathogenic. Last evaluated: 2020-11-30. Review status: criteria provided, single submitter. Criteria: ACMG Guidelines, 2015. Collection method: clinical testing. Allele origin: germline.

Literature cited by the submitters: PubMed 19542096 (cited by Labcorp Genetics (formerly Invitae), Labcorp); PubMed 24319099 (cited by Labcorp Genetics (formerly Invitae), Labcorp); PubMed 27086870 (cited by Labcorp Genetics (formerly Invitae), Labcorp); PubMed 23959263 (cited by 3 submitters); PubMed 32870032 (cited by Athena Diagnostics).

NM_182961.4(SYNE1):c.21463C>T (p.Arg7155Ter)

Gene: SYNE1 (spectrin repeat containing nuclear envelope protein 1; minus strand). Cytogenetic location: 6q25.2.
Variant type: single nucleotide variant.
Coding change: c.21463C>T on transcript NM_182961.4 (MANE Select); coding-DNA position 21463, C replaced by T.
Protein change: p.Arg7155Ter; replaces arginine 7155 with a stop codon.
Molecular consequence: nonsense.
Genome position (GRCh38, 1-based): chr6:152,224,553, G>A on the plus strand (C>T on the coding strand, the complement: SYNE1 is on the minus strand). VCF-style: chr6-152224553-G-A. GRCh37 (hg19) VCF-style: chr6-152545688-G-A.
Other names: c.21250C>T, p.Arg7084Ter (NM_033071.5); short protein forms R7084*, R7155*.
Identifiers: ClinVar variation 995580 (VCV000995580.17), dbSNP rs778445117, ClinGen allele CA4054156.
Genomic context (GRCh38, chr6:152,224,553, plus strand): 5'-CCTGAAGATTGTCCACCTGAACTTGCACAGCTTCTAAGGAGCCAGTCAGCAGACGGAATC[G>A]GGAAAGAGAGTATCTGGCCTCCATGAGGTAACTGTTTATCTTGTCAAAGGCCACTTTGTG-3'